The following is an entry in ClinVar:

NM_015662.3(IFT172):c.113G>A (p.Arg38Gln)

Gene: IFT172 (intraflagellar transport 172; minus strand). Cytogenetic location: 2p23.3.
Variant type: single nucleotide variant.
Coding change: c.113G>A on transcript NM_015662.3 (MANE Select); coding-DNA position 113, G replaced by A.
Protein change: p.Arg38Gln; replaces arginine 38 with glutamine.
Molecular consequence: missense variant.
Genome position (GRCh38, 1-based): chr2:27,485,430, C>T on the plus strand (G>A on the coding strand, the complement: IFT172 is on the minus strand). VCF-style: chr2-27485430-C-T. GRCh37 (hg19) VCF-style: chr2-27708297-C-T.
Other names: c.113G>A (NM_015662.1); short protein forms R38Q.
Identifiers: ClinVar variation 1008948 (VCV001008948.8), dbSNP rs552861632, ClinGen allele CA1581118.

ClinVar aggregate classification (germline): Uncertain significance. Review status: criteria provided, multiple submitters, no conflicts (2 of 4 stars). 5 submissions from 5 submitters: Uncertain significance (4). 1 of the submissions does not count toward it. Last evaluated 2024-09-08.

Conditions:
Inborn genetic diseases. Identifiers: MedGen C0950123, MeSH D030342.
Retinal dystrophy. Also called: Inherited retinal dystrophy. Identifiers: Orphanet 71862, MedGen C0854723, MeSH D058499, MONDO:0019118, HP:0000556.
Retinitis pigmentosa 71 (RP71). Identifiers: Orphanet 791, MedGen C4225342, MONDO:0014618, OMIM 616394.
Bardet-Biedl syndrome 20. Identifiers: MedGen C4310707, MONDO:0023670, OMIM 619471, MONDO:0014926.
Short-rib thoracic dysplasia 10 with or without polydactyly (SRTD10). Identifiers: Orphanet 474, MedGen C3810175, MONDO:0014284, OMIM 615630.

Allele frequency attached by ClinVar (database versions not stated): gnomAD below 0.00001 and 0.00003; TOPMed 0.00001; ExAC 0.00009; 1000 Genomes Project 30x 0.00016; 1000 Genomes Project 0.00020.
gnomAD v4.1: 84 of 1,614,180 alleles (0.0052%); highest among the groups gnomAD compares: Middle Eastern, 0.083%; 2 homozygotes.

Submissions (5):

Ambry Genetics
Classification: Uncertain significance for Inborn genetic diseases. Last evaluated: 2024-09-08. Review status: criteria provided, single submitter. Criteria: Ambry Variant Classification Scheme 2023. Collection method: clinical testing. Allele origin: germline.

Fulgent Genetics
Classification: Uncertain significance for Short-rib thoracic dysplasia 10 with or without polydactyly; Retinitis pigmentosa 71; Bardet-Biedl syndrome 20. Last evaluated: 2024-05-06. Review status: criteria provided, single submitter. Criteria: ACMG Guidelines, 2015. Collection method: clinical testing. Allele origin: germline.

Blueprint Genetics
Classification: Uncertain significance. Last evaluated: 2024-01-09. Review status: criteria provided, single submitter. Criteria: ACMG Guidelines, 2015. Collection method: clinical testing. Allele origin: germline.

Labcorp Genetics (formerly Invitae), Labcorp
Classification: Uncertain significance for Retinitis pigmentosa 71; Short-rib thoracic dysplasia 10 with or without polydactyly. Last evaluated: 2022-08-09. Review status: criteria provided, single submitter. Criteria: Invitae Variant Classification Sherloc (09022015). Collection method: clinical testing. Allele origin: germline.
Comment: This sequence change replaces arginine, which is basic and polar, with glutamine, which is neutral and polar, at codon 38 of the IFT172 protein (p.Arg38Gln). This variant is present in population databases (rs552861632, gnomAD 0.06%). This variant has not been reported in the literature in individuals affected with IFT172-related conditions. ClinVar contains an entry for this variant (Variation ID: 1008948). Algorithms developed to predict the effect of missense changes on protein structure and function are either unavailable or do not agree on the potential impact of this missense change (SIFT: "Deleterious"; PolyPhen-2: "Probably Damaging"; Align-GVGD: "Class C0"). In summary, the available evidence is currently insufficient to determine the role of this variant in disease. Therefore, it has been classified as a Variant of Uncertain Significance.

Institute of Human Genetics, Univ. Regensburg, Univ. Regensburg
Classification: Uncertain significance for Retinal dystrophy. Last evaluated: 2021-01-01. Review status: no assertion criteria provided. Criteria: ACMG Guidelines, 2015. Collection method: clinical testing. Allele origin: germline. Affected: yes. Not counted in ClinVar's aggregate classification.